The following is an entry in ClinVar:

ClinVar aggregate classification (germline): Uncertain significance (1 of 4 stars; one submission).

Conditions:
Gorlin syndrome. Also called: Basal cell nevus syndrome; Nevoid Basal Cell Carcinoma Syndrome. Identifiers: Orphanet 377, MedGen C0004779, MONDO:0007187.

Allele frequency attached by ClinVar (database versions not stated): gnomAD 0.00001; TOPMed 0.00001; ExAC 0.00002.
gnomAD v4.1: 20 of 1,614,124 alleles (0.0012%); highest among the groups gnomAD compares: East Asian, 0.045%; no homozygotes.

Submission:

Labcorp Genetics (formerly Invitae), Labcorp
Classification: Uncertain significance for Gorlin syndrome. Last evaluated: 2022-07-19. Review status: criteria provided, single submitter. Criteria: Invitae Variant Classification Sherloc (09022015). Collection method: clinical testing. Allele origin: germline.
Comment: In summary, the available evidence is currently insufficient to determine the role of this variant in disease. Therefore, it has been classified as a Variant of Uncertain Significance. Algorithms developed to predict the effect of missense changes on protein structure and function are either unavailable or do not agree on the potential impact of this missense change (SIFT: "Tolerated"; PolyPhen-2: "Probably Damaging"; Align-GVGD: "Class C0"). This variant has not been reported in the literature in individuals affected with PTCH2-related conditions. This variant is present in population databases (rs746238861, gnomAD 0.02%). This sequence change replaces methionine, which is neutral and non-polar, with isoleucine, which is neutral and non-polar, at codon 323 of the PTCH2 protein (p.Met323Ile).

NM_003738.5(PTCH2):c.969G>A (p.Met323Ile)

Gene: PTCH2 (patched 2; minus strand). Cytogenetic location: 1p34.1.
Variant type: single nucleotide variant.
Coding change: c.969G>A on transcript NM_003738.5 (MANE Select); coding-DNA position 969, G replaced by A.
Protein change: p.Met323Ile; replaces methionine 323 with isoleucine.
Molecular consequence: missense variant.
Genome position (GRCh38, 1-based): chr1:44,829,728, C>T on the plus strand (G>A on the coding strand, the complement: PTCH2 is on the minus strand). VCF-style: chr1-44829728-C-T. GRCh37 (hg19) VCF-style: chr1-45295400-C-T.
Other names: c.969G>A, p.Met323Ile (NM_001166292.2); short protein forms M323I.
Identifiers: ClinVar variation 2141879 (VCV002141879.4), dbSNP rs746238861, ClinGen allele CA823476.